The following is an entry in ClinVar:

NM_001267550.2(TTN):c.13341G>A (p.Ser4447=)

Gene: TTN (titin; minus strand). Cytogenetic location: 2q31.2.
Variant type: single nucleotide variant.
Coding change: c.13341G>A on transcript NM_001267550.2 (MANE Select); coding-DNA position 13341, G replaced by A.
Protein change: p.Ser4447=; no amino-acid change (serine 4447 retained).
Molecular consequence: synonymous variant. On other transcripts: intron variant (1).
Genome position (GRCh38, 1-based): chr2:178,739,892, C>T on the plus strand (G>A on the coding strand, the complement: TTN is on the minus strand). VCF-style: chr2-178739892-C-T. GRCh37 (hg19) VCF-style: chr2-179604619-C-T.
Other names: c.12390G>A, p.Ser4130= (NM_001256850.1); c.12252G>A, p.Ser4084= (NM_003319.4); c.12627G>A, p.Ser4209= (NM_133432.3); c.12828G>A, p.Ser4276= (NM_133437.4); c.10361-1532G>A (NM_133378.4).
Identifiers: ClinVar variation 1754005 (VCV001754005.7), dbSNP rs755706898, ClinGen allele CA2002594.
Genomic context (GRCh38, chr2:178,739,892, plus strand): 5'-AGCCATTTGAGGATCAACATCTTCAATAATGATGGTTACTTCTTCTGTTACAGACTTTGC[C>T]GAAGTAACAAGGTACATGCACATGATGTGTCTGGGCTCTTGGGTGATGTTTACAGCCTCG-3'
Protein context (NP_001254479.2, residues 4437-4457): RHIMCMYLVT[Ser4447=]AKSVTEEVTI

ClinVar aggregate classification (germline): Likely benign. Review status: criteria provided, multiple submitters, no conflicts (2 of 4 stars). 3 submissions from 3 submitters: Likely benign (3). Last evaluated 2026-02-01.

Conditions:
Cardiovascular phenotype. Identifiers: MedGen CN230736.
TTN-related disorder. Also called: TTN-related condition; TTN-related disease; TTN-related disorders.

Allele frequency attached by ClinVar (database versions not stated): gnomAD 0.00001; gnomAD exomes 0.00001; ExAC 0.00002; TOPMed 0.00002.
gnomAD v4.1: 22 of 1,613,672 alleles (0.0014%); highest among the groups gnomAD compares: Admixed American, 0.015%; no homozygotes.

Submissions (3):

CeGaT Center for Human Genetics Tuebingen
Classification: Likely benign. Last evaluated: 2026-02-01. Review status: criteria provided, single submitter. Criteria: CeGaT Center For Human Genetics Tuebingen Variant Classification Criteria Version 2. Collection method: clinical testing. Allele origin: germline. Affected: yes. Observed: 1 variant allele.
Comment: TTN: BP4, BP7

PreventionGenetics, part of Exact Sciences
Classification: Likely benign for TTN-related condition. Last evaluated: 2025-03-22. Review status: criteria provided, single submitter. Criteria: ACMG Guidelines, 2015. Collection method: clinical testing. Allele origin: germline.
Comment: This variant is classified as likely benign based on ACMG/AMP sequence variant interpretation guidelines (Richards et al. 2015 PMID: 25741868, with internal and published modifications).

Ambry Genetics
Classification: Likely benign for Cardiovascular phenotype. Last evaluated: 2019-05-03. Review status: criteria provided, single submitter. Criteria: Ambry Variant Classification Scheme 2023. Collection method: clinical testing. Allele origin: germline.